The following is an entry in ClinVar:

NM_007294.4(BRCA1):c.4229A>T (p.Glu1410Val)

Gene: BRCA1 (BRCA1 DNA repair associated; minus strand). Cytogenetic location: 17q21.31.
Variant type: single nucleotide variant.
Coding change: c.4229A>T on transcript NM_007294.4 (MANE Select); coding-DNA position 4229, A replaced by T.
Protein change: p.Glu1410Val; replaces glutamic acid 1410 with valine.
Molecular consequence: missense variant. On other transcripts: non-coding transcript variant (1).
Genome position (GRCh38, 1-based): chr17:43,082,532, T>A on the plus strand (A>T on the coding strand, the complement: BRCA1 is on the minus strand). VCF-style: chr17-43082532-T-A. GRCh37 (hg19) VCF-style: chr17-41234549-T-A.
Other names: c.794A>T, p.Glu265Val (NM_001408450.1, NM_001408432.1, NM_001408433.1 and 10 more transcripts); c.785A>T, p.Glu262Val (NM_001408451.1); c.779A>T, p.Glu260Val (NM_001408452.1, NM_001408453.1, NM_001408454.1 and 8 more transcripts); c.4085A>T, p.Glu1362Val (NM_001407745.1, NM_001407746.1, NM_001407747.1 and 23 more transcripts); c.4016A>T, p.Glu1339Val (NM_001407571.1, NM_001407853.1, NM_001407894.1 and 12 more transcripts); c.4229A>T, p.Glu1410Val (NM_001407581.1, NM_001407582.1, NM_001407583.1 and 23 more transcripts); c.4226A>T, p.Glu1409Val (NM_001407587.1, NM_001407590.1, NM_001407591.1 and 21 more transcripts); c.4082A>T, p.Glu1361Val (NM_001407847.1, NM_001407848.1, NM_001407849.1); and 51 more; short protein forms E1410V, E1363V, E307V, E1282V, E1298V, E1299V, E1340V, E1342V.
Identifiers: ClinVar variation 918553 (VCV000918553.6), dbSNP rs2053062712, ClinGen allele CA10593262.
Genomic context (GRCh38, chr17:43,082,532, plus strand): 5'-GGGTAGCTGTTAGAAGGCTGGCTCCCATGCTGTTCTAACACAGCTTCTAGTTCAGCCATT[T>A]CCTGCTGGAGCTTTATCAGGTTATGTTGCATGGTATCCCTCTGCTTCAAAAACGATAAAT-3'
Protein context (NP_009225.1, residues 1400-1420): MQHNLIKLQQ[Glu1410Val]MAELEAVLEQ

ClinVar aggregate classification (germline): Uncertain significance (1 of 4 stars; one submission).

Conditions:
Hereditary cancer-predisposing syndrome. Also called: Neoplastic Syndromes, Hereditary; Tumor predisposition; Hereditary Cancer Syndrome; Hereditary neoplastic syndrome. Identifiers: Orphanet 140162, MedGen C0027672, MeSH D009386, MONDO:0015356.

Submission:

Color Diagnostics, LLC DBA Color Health
Classification: Uncertain significance for Hereditary cancer-predisposing syndrome. Last evaluated: 2024-08-06. Review status: criteria provided, single submitter. Criteria: ACMG Guidelines, 2015. Collection method: clinical testing. Allele origin: germline.
Comment: This missense variant replaces glutamic acid with valine at codon 1410 of the BRCA1 protein. Computational prediction suggests that this variant may not impact protein structure and function. To our knowledge, functional studies have not been reported for this variant. This variant has not been reported in individuals affected with BRCA1-related disorders in the literature. This variant has not been identified in the general population by the Genome Aggregation Database (gnomAD). The available evidence is insufficient to determine the role of this variant in disease conclusively. Therefore, this variant is classified as a Variant of Uncertain Significance.